The following is an entry in ClinVar:

ClinVar aggregate classification (germline): Uncertain significance. Review status: criteria provided, multiple submitters, no conflicts (2 of 4 stars). 2 submissions from 2 submitters: Uncertain significance (2). Last evaluated 2024-04-01.

Conditions:
Autosomal recessive limb-girdle muscular dystrophy type 2J (LGMDR10). Also called: MUSCULAR DYSTROPHY, LIMB-GIRDLE, AUTOSOMAL RECESSIVE 10; Limb-girdle muscular dystrophy, type 2J. Identifiers: Orphanet 140922, MedGen C1837342, MONDO:0012127, OMIM 608807.

Submissions (2):

3billion
Classification: Uncertain significance for Autosomal recessive limb-girdle muscular dystrophy type 2J. Last evaluated: 2024-04-01. Review status: criteria provided, single submitter. Criteria: ACMG Guidelines, 2015. Collection method: clinical testing. Allele origin: germline. Affected: yes.
Comment: The variant is not observed in the gnomAD v4.0.0 dataset. Predicted Consequence/Location: Intron variant In silico tools predict the variant to alter splicing and produce an abnormal transcript [SpliceAI: 0.87 (>=0.2, moderate evidence for spliceogenicity)]. Therefore, this variant is classified as VUS according to the recommendation of ACMG/AMP guideline.

Broad Center for Mendelian Genomics, Broad Institute of MIT and Harvard
Classification: Uncertain significance for Autosomal recessive limb-girdle muscular dystrophy type 2J. Last evaluated: 2023-05-02. Review status: criteria provided, single submitter. Criteria: ACMG Guidelines, 2015. Collection method: curation. Allele origin: germline. Inheritance: Autosomal recessive inheritance.
Comment: The c.16055-3C>G variant in TTN has not been previously reported in individuals with autosomal recessive limb-girdle muscular dystrophy-10. This variant was absent from large population studies. This variant is located in the 3' splice region. Computational tools do suggest an impact to splicing. However, this information is not predictive enough to determine pathogenicity. In summary, the clinical significance of the c.16055-3C>G variant is uncertain. ACMG/AMP Criteria applied: PM3_Supporting, PM2_Supporting, PP3 (Richards 2015).

NM_001267550.2(TTN):c.16055-3C>G

Gene: TTN (titin; minus strand). Cytogenetic location: 2q31.2.
Variant type: single nucleotide variant.
Coding change: c.16055-3C>G on transcript NM_001267550.2 (MANE Select); 3 bases into the intron before coding-DNA position 16055, C replaced by G.
Molecular consequence: intron variant.
Genome position (GRCh38, 1-based): chr2:178,733,124, G>C on the plus strand (C>G on the coding strand, the complement: TTN is on the minus strand). VCF-style: chr2-178733124-G-C. GRCh37 (hg19) VCF-style: chr2-179597851-G-C.
Other names: NM_133437.4:c.13858+4958C>G; c.13282+4958C>G (NM_003319.4); c.13858+4958C>G (NM_133437.4); c.13657+4958C>G (NM_133432.3); c.12323-3C>G (NM_133378.4); c.15104-3C>G (NM_001256850.1).
Identifiers: ClinVar variation 2500964 (VCV002500964.2), dbSNP rs2530179364, ClinGen allele CA2573332071.